The following is an entry in ClinVar:

ClinVar aggregate classification (germline): Uncertain significance (1 of 4 stars; one submission).

Conditions:
RELN-related disorder. Also called: RELN-related condition.

Submission:

PreventionGenetics, part of Exact Sciences
Classification: Uncertain significance for RELN-related condition. Last evaluated: 2026-02-16. Review status: criteria provided, single submitter. Criteria: ACMG Guidelines, 2015. Collection method: clinical testing. Allele origin: germline.
Comment: The RELN c.5899G>A variant is predicted to result in the amino acid substitution p.Glu1967Lys. To our knowledge, this variant has not been reported in the literature or in a large population database (gnomAD), indicating this variant is rare. At this time, the clinical significance of this variant is uncertain due to the absence of conclusive functional and genetic evidence.

NM_005045.4(RELN):c.5899G>A (p.Glu1967Lys)

Gene: RELN (reelin; minus strand). Cytogenetic location: 7q22.1.
Variant type: single nucleotide variant.
Coding change: c.5899G>A on transcript NM_005045.4 (MANE Select); coding-DNA position 5899, G replaced by A.
Protein change: p.Glu1967Lys; replaces glutamic acid 1967 with lysine.
Molecular consequence: missense variant.
Genome position (GRCh38, 1-based): chr7:103,553,730, C>T on the plus strand (G>A on the coding strand, the complement: RELN is on the minus strand). VCF-style: chr7-103553730-C-T. GRCh37 (hg19) VCF-style: chr7-103194177-C-T.
Other names: c.5899G>A, p.Glu1967Lys (NM_173054.3); short protein forms E1967K.
Identifiers: ClinVar variation 4991489 (VCV004991489.1).